The following is an entry in ClinVar:

NM_000059.4(BRCA2):c.714_716dup (p.Glu238_Ser239insArg)

Gene: BRCA2 (BRCA2 DNA repair associated; plus strand). Cytogenetic location: 13q13.1.
Variant type: Duplication.
Coding change: c.714_716dup on transcript NM_000059.4 (MANE Select); coding-DNA positions 714 to 716, 3 bases duplicated (AAG; older notation c.714_716dupAAG).
Protein change: p.Glu238_Ser239insArg.
Molecular consequence: inframe insertion.
Genome position (GRCh38, 1-based): chr13:32,330,951-32,330,953, AAG duplicated. VCF-style (leftmost placement, unchanged base first): chr13-32330950-A-AAAG. GRCh37 (hg19) VCF-style: chr13-32905087-A-AAAG.
Other names: R239ins; c.714_716dupAAG (NM_000059.3).
Identifiers: ClinVar variation 126202 (VCV000126202.54), dbSNP rs80359640, ClinGen allele CA024898.

ClinVar aggregate classification (germline): Conflicting classifications of pathogenicity. Review status: criteria provided, conflicting classifications (1 of 4 stars). 14 submissions from 14 submitters: Uncertain significance (11); Likely benign (1). 2 of the submissions do not count toward it. Last evaluated 2026-01-27.

Conditions:
Hereditary cancer-predisposing syndrome. Also called: Tumor predisposition; Hereditary neoplastic syndrome; Neoplastic Syndromes, Hereditary; Hereditary Cancer Syndrome. Identifiers: Orphanet 140162, MedGen C0027672, MeSH D009386, MONDO:0015356.
Hereditary breast ovarian cancer syndrome. Also called: Hereditary breast and ovarian cancer syndrome (HBOC); Hereditary breast and ovarian cancer; Hereditary breast and ovarian cancer syndrome; Breast and ovarian cancer; Hereditary breast and/or ovarian cancer syndrome; BRCA1- and BRCA2-Associated Hereditary Breast and Ovarian Cancer. Identifiers: Orphanet 145, MedGen C0677776, MeSH D061325, MONDO:0003582. Disease mechanism: loss of function.
Breast-ovarian cancer, familial, susceptibility to, 2 (BROVCA2). Also called: BRCA2 Hereditary Breast and Ovarian Cancer. Identifiers: Orphanet 145, MedGen C2675520, MONDO:0012933, OMIM 612555. Disease mechanism: loss of function.
Familial cancer of breast. Also called: Hereditary breast cancer; hereditary breast carcinoma; BREAST CANCER, FAMILIAL. Identifiers: Orphanet 227535, MedGen C0346153, MONDO:0016419, OMIM 114480. Disease mechanism: loss of function.

Allele frequency attached by ClinVar (database versions not stated): gnomAD 0.00001; gnomAD exomes 0.00001 and 0.00004; TOPMed 0.00001.

Submissions (14):

Labcorp Genetics (formerly Invitae), Labcorp
Classification: Uncertain significance for Hereditary breast ovarian cancer syndrome. Last evaluated: 2026-01-27. Review status: criteria provided, single submitter. Criteria: Invitae Variant Classification Sherloc (09022015). Collection method: clinical testing. Allele origin: germline.
Comment: This variant, c.714_716dup, results in the insertion of 1 amino acid(s) of the BRCA2 protein (p.Glu238_Ser239insArg), but otherwise preserves the integrity of the reading frame. This variant is present in population databases (rs587778130, gnomAD 0.002%). This variant has been observed in individual(s) with colon cancer and ovarian cancer (PMID: 22711857, 28195393). This variant is also known as c.716_717het insAAG. ClinVar contains an entry for this variant (Variation ID: 126202). Experimental studies and prediction algorithms are not available or were not evaluated, and the functional significance of this variant is currently unknown. In summary, the available evidence is currently insufficient to determine the role of this variant in disease. Therefore, it has been classified as a Variant of Uncertain Significance.

CeGaT Center for Human Genetics Tuebingen
Classification: Uncertain significance. Last evaluated: 2025-02-01. Review status: criteria provided, single submitter. Criteria: CeGaT Center For Human Genetics Tuebingen Variant Classification Criteria Version 2. Collection method: clinical testing. Allele origin: germline. Affected: yes. Observed: 1 variant allele.
Comment: BRCA2: PM4:Supporting

Color Diagnostics, LLC DBA Color Health
Classification: Likely benign for Hereditary cancer-predisposing syndrome. Last evaluated: 2025-01-07. Review status: criteria provided, single submitter. Criteria: ACMG Guidelines, 2015. Collection method: clinical testing. Allele origin: germline.

Ambry Genetics
Classification: Uncertain significance for Hereditary cancer-predisposing syndrome. Last evaluated: 2024-11-29. Review status: criteria provided, single submitter. Criteria: Ambry Variant Classification Scheme 2023. Collection method: clinical testing. Allele origin: germline.
Comment: The c.714_716dupAAG variant (also known as p.E238_S239insR), located in coding exon 8 of the BRCA2 gene, results from an in-frame duplication of AAG at nucleotide positions 714 to 716. This results in the insertion of an extra arginine residue between codons 238 and 239. This alteration was identified in an individual diagnosed with colorectal cancer (Hansen MF et al, Clin. Genet. 2017 Oct;92:405-414). Of note, this alteration is also designated as designated as c.713_714insAAG in published literature. This amino acid region is not well conserved in available vertebrate species. In addition, this alteration is predicted to be inconclusive by in silico analysis (Choi Y et al. PLoS ONE. 2012; 7(10):e46688). Based on the available evidence, the clinical significance of this variant remains unclear.

Quest Diagnostics Nichols Institute San Juan Capistrano
Classification: Uncertain significance. Last evaluated: 2024-07-30. Review status: criteria provided, single submitter. Criteria: Quest Diagnostics criteria. Collection method: clinical testing. Allele origin: unknown.
Comment: The BRCA2 c.714_716dup (p.Glu238_Ser239insArg) variant has been reported in the published literature in reportedly healthy individuals (PMID: 24728327 (2014)). It has also been identified in individuals with familial colorectal cancer (PMID: 28195393 (2017)) and ovarian cancer (PMID: 22711857 (2012)). The frequency of this variant in the general population, 0.000008 (2/250512 chromosomes (Genome Aggregation Database)), is uninformative in the assessment of its pathogenicity. Based on the available information, we are unable to determine the clinical significance of this variant.

Baylor Genetics
Classification: Uncertain significance for Familial cancer of breast. Last evaluated: 2024-03-08. Review status: criteria provided, single submitter. Criteria: ACMG Guidelines, 2015. Collection method: clinical testing. Allele origin: unknown.

All of Us Research Program, National Institutes of Health
Classification: Uncertain significance for Breast-ovarian cancer, familial, susceptibility to, 2. Last evaluated: 2023-10-02. Review status: criteria provided, single submitter. Criteria: ACMG Guidelines, 2015. Collection method: clinical testing. Allele origin: germline. Inheritance: Autosomal dominant inheritance. Observed: 3 variant alleles, 3 heterozygotes.
Comment: This variant causes an in-frame insertion of one amino acid at exon 9 of the BRCA2 protein. Splice site prediction tools suggest that this variant may not impact RNA splicing. To our knowledge, functional studies have not been performed for this variant. This variant has been reported in an individual affected with colorectal cancer (PMID: 28195393). This variant has also been identified in 2/250512 chromosomes in the general population by the Genome Aggregation Database (gnomAD). The available evidence is insufficient to determine the role of this variant in disease conclusively. Therefore, this variant is classified as a Variant of Uncertain Significance.

This study involves interpretation of variants in research participants for the purpose of population health screening. Participant phenotype was not available at the time of variant classification. Additional details can be found in publication PMID: 35346344, PMCID: PMC8962531

Laboratory for Molecular Medicine, Mass General Brigham Personalized Medicine
Classification: Uncertain significance. Last evaluated: 2023-08-11. Review status: criteria provided, single submitter. Criteria: ACMG Guidelines, 2015. Collection method: clinical testing. Allele origin: germline.
Comment: The p.Glu238_Ser239insArg variant in BRCA2 has been reported in 1 individual with ovarian cancer (Alsop 2012 PMID 22711857). It has also been identified in 0.0029% (2/68040) of European chromosomes by gnomAD. This variant has also been reported in ClinVar (Variation ID 126202). In summary, the clinical significance of this variant is uncertain. ACMG/AMP Criteria applied: None.

GeneDx
Classification: Uncertain significance. Last evaluated: 2023-08-09. Review status: criteria provided, single submitter. Criteria: GeneDx Variant Classification Process June 2021. Collection method: clinical testing. Allele origin: germline. Affected: yes.
Comment: In-frame insertion of one amino acid in a non-repeat region; In silico analysis supports that this variant does not alter protein structure/function; Observed in individuals with familial colorectal and/or other cancers undergoing multi-gene panel testing (Hansen et al., 2017; Li et al., 2020); Not observed at significant frequency in large population cohorts (gnomAD); Also known as 942_944dup; This variant is associated with the following publications: (PMID: 24728327, 31853058, 28195393)

ARUP Laboratories, Molecular Genetics and Genomics, ARUP Laboratories
Classification: Uncertain significance. Last evaluated: 2021-07-30. Review status: criteria provided, single submitter. Criteria: ARUP Molecular Germline Variant Investigation Process 2021. Collection method: clinical testing. Allele origin: germline.
Comment: The BRCA2 c.714_716dupAAG; p.Glu238_Ser239insArg variant (rs80359640) is reported in the literature in individuals affected with ovarian or colorectal cancer (Alsop 2012, Hansen 2017). This variant is also reported in ClinVar (Variation ID: 126202), and is only observed on two alleles in the Genome Aggregation Database, indicating it is not a common polymorphism. This variant inserts a single arginine residue leaving the rest of the protein in-frame. Given the lack of clinical and functional data, the significance of the p.Glu238_Ser239insArg variant is uncertain at this time. References: Alsop K et al. BRCA mutation frequency and patterns of treatment response in BRCA mutation-positive women with ovarian cancer: a report from the Australian Ovarian Cancer Study Group. J Clin Oncol. 2012 Jul 20;30(21):2654-63. PMID: 22711857. Hansen MF et al. Use of multigene-panel identifies pathogenic variants in several CRC-predisposing genes in patients previously tested for Lynch Syndrome. Clin Genet. 2017 Oct;92(4):405-414. PMID: 28195393.

Women's Health and Genetics/Laboratory Corporation of America, LabCorp
Classification: Uncertain significance. Last evaluated: 2020-07-02. Review status: criteria provided, single submitter. Criteria: LabCorp Variant Classification Summary - May 2015. Collection method: clinical testing. Allele origin: germline.
Comment: Variant summary: BRCA2 c.714_716dupAAG (p.Glu238_Ser239insArg) results in an in-frame insertion that is predicted to insert one amino acids into the encoded protein. The variant allele was found at a frequency of 8e-06 in 250512 control chromosomes. The available data on variant occurrences in the general population are insufficient to allow any conclusion about variant significance. c.714_716dupAAG has been reported in the literature in individuals affected with ovarian cancer and colorectal cancer (Alsop_2012, Hansen_2017). These reports do not provide unequivocal conclusions about association of the variant with Hereditary Breast And Ovarian Cancer Syndrome. To our knowledge, no experimental evidence demonstrating an impact on protein function has been reported. Five clinical diagnostic laboratories have submitted clinical-significance assessments for this variant to ClinVar after 2014 without evidence for independent evaluation. All laboratories classified the variant as uncertain significance. Based on the evidence outlined above, the variant was classified as uncertain significance.

Genetic Services Laboratory, University of Chicago
Classification: Uncertain significance. Last evaluated: 2018-01-25. Review status: criteria provided, single submitter. Criteria: ACMG Guidelines, 2015. Collection method: clinical testing. Allele origin: germline. Affected: no.

ITMI
No classification provided. Condition: AllHighlyPenetrant. Last evaluated: 2013-09-19. Review status: no classification provided. Collection method: reference population. Allele origin: germline. Not counted in ClinVar's aggregate classification.
Comment: Please see associated publication for description of ethnicities

Breast Cancer Information Core (BIC) (BRCA2)
Classification: Uncertain significance for Breast-ovarian cancer, familial 2. Last evaluated: 2003-12-23. Review status: no assertion criteria provided. Collection method: clinical testing. Allele origin: germline. Affected: yes. Observed: 1 variant allele. Not counted in ClinVar's aggregate classification.

Literature cited by the submitters: PubMed 22711857 (cited by 3 submitters); PubMed 28195393 (cited by 4 submitters); PubMed 24728327 (cited by 3 submitters); PubMed 19941162 (cited by Quest Diagnostics Nichols Institute San Juan Capistrano and Women's Health and Genetics/Laboratory Corporation of America, LabCorp); PubMed 31853058 (cited by Quest Diagnostics Nichols Institute San Juan Capistrano).